The following is an entry in ClinVar:

NM_004260.4(RECQL4):c.2222C>T (p.Ala741Val)

Gene: RECQL4 (RecQ like helicase 4; minus strand). Cytogenetic location: 8q24.3.
Variant type: single nucleotide variant.
Coding change: c.2222C>T on transcript NM_004260.4 (MANE Select); coding-DNA position 2222, C replaced by T.
Protein change: p.Ala741Val; replaces alanine 741 with valine.
Molecular consequence: missense variant. On other transcripts: non-coding transcript variant (3).
Genome position (GRCh38, 1-based): chr8:144,513,459, G>A on the plus strand (C>T on the coding strand, the complement: RECQL4 is on the minus strand). VCF-style: chr8-144513459-G-A. GRCh37 (hg19) VCF-style: chr8-145738843-G-A.
Other names: c.2126C>T, p.Ala709Val (NM_001413017.1, NM_001413020.1); c.2222C>T, p.Ala741Val (NM_001413018.1, NM_001413019.1, NM_001413036.1); c.1151C>T, p.Ala384Val (NM_001413021.1, NM_001413022.1, NM_001413034.1 and 6 more transcripts); c.1019C>T, p.Ala340Val (NM_001413037.1); c.2192C>T, p.Ala731Val (NM_001413039.1); c.1085C>T, p.Ala362Val (NM_001413041.1, NM_001413027.1, NM_001413030.1 and 1 more transcripts); c.1121C>T, p.Ala374Val (NM_001413042.1); c.755C>T, p.Ala252Val (NM_001413043.1); and 4 more; short protein forms A252V, A318V, A340V, A362V, A374V, A384V, A624V, A697V.
Identifiers: ClinVar variation 4863179 (VCV004863179.1).
Genomic context (GRCh38, chr8:144,513,459, plus strand): 5'-ATGAAGGCTCGCTGTACCCGCCGCCGTTCCCGGCTGCACATGCCCGCGTGGTAGGCCTCG[G>A]CTGTGGTTTTGGGGGCACGACCTTTGGGGAAGACAGGCAGATGGTCAGTGGGATGGGACC-3'
Protein context (NP_004251.4, residues 731-751): GSGGRAPKTT[Ala741Val]EAYHAGMCSR

ClinVar aggregate classification (germline): Uncertain significance (1 of 4 stars; one submission).

Conditions:
Inborn genetic diseases. Identifiers: MedGen C0950123, MeSH D030342.

Submission:

Ambry Genetics
Classification: Uncertain significance for Inborn genetic diseases. Last evaluated: 2026-04-30. Review status: criteria provided, single submitter. Criteria: Ambry Variant Classification Scheme 2023. Collection method: clinical testing. Allele origin: germline.
Comment: The p.A741V variant (also known as c.2222C>T), located in coding exon 14 of the RECQL4 gene, results from a C to T substitution at nucleotide position 2222. The alanine at codon 741 is replaced by valine, an amino acid with similar properties. This amino acid position is conserved. In addition, the in silico prediction for this alteration is inconclusive. Based on the available evidence, the clinical significance of this variant remains unclear.